The following is an entry in ClinVar:

NM_020163.3(SEMA3G):c.1920G>A (p.Leu640=)

Gene: SEMA3G (semaphorin 3G; minus strand). Cytogenetic location: 3p21.1.
Variant type: single nucleotide variant.
Coding change: c.1920G>A on transcript NM_020163.3 (MANE Select); coding-DNA position 1920, G replaced by A.
Protein change: p.Leu640=; no amino-acid change (leucine 640 retained).
Molecular consequence: synonymous variant.
Genome position (GRCh38, 1-based): chr3:52,436,032, C>T on the plus strand (G>A on the coding strand, the complement: SEMA3G is on the minus strand). VCF-style: chr3-52436032-C-T. GRCh37 (hg19) VCF-style: chr3-52470048-C-T.
Identifiers: ClinVar variation 3348405 (VCV003348405.1).

ClinVar aggregate classification (germline): Likely benign (0 of 4 stars; one submission).

Conditions:
SEMA3G-related disorder. Also called: SEMA3G-related condition.

gnomAD v4.1: 2 of 1,613,090 alleles (0.00012%); highest among the groups gnomAD compares: Admixed American, 0.0033%; no homozygotes.

Submission:

PreventionGenetics, part of Exact Sciences
Classification: Likely benign for SEMA3G-related condition. Last evaluated: 2023-09-26. Review status: no assertion criteria provided. Collection method: clinical testing. Allele origin: germline.
Comment: This variant is classified as likely benign based on ACMG/AMP sequence variant interpretation guidelines (Richards et al. 2015 PMID: 25741868, with internal and published modifications).